The following is an entry in ClinVar:

ClinVar aggregate classification (germline): Benign (1 of 4 stars; one submission).

Allele frequency attached by ClinVar (database versions not stated): TOPMed 0.55188; gnomAD 0.55750 and 0.56204; 1000 Genomes Project 30x 0.57355; 1000 Genomes Project 0.58327.
gnomAD v4.1: 83,621 of 148,700 alleles (56%); highest among the groups gnomAD compares: East Asian, 91%; 24,568 homozygotes.

Submission:

GeneDx
Classification: Benign. Last evaluated: 2018-06-19. Review status: criteria provided, single submitter. Criteria: GeneDx Variant Classification (06012015). Collection method: clinical testing. Allele origin: germline. Affected: yes.
Comment: This variant is considered likely benign or benign based on one or more of the following criteria: it is a conservative change, it occurs at a poorly conserved position in the protein, it is predicted to be benign by multiple in silico algorithms, and/or has population frequency not consistent with disease.

NM_004863.4(SPTLC2):c.756+333C>T

Gene: SPTLC2 (serine palmitoyltransferase long chain base subunit 2; minus strand). Cytogenetic location: 14q24.3.
Variant type: single nucleotide variant.
Coding change: c.756+333C>T on transcript NM_004863.4 (MANE Select); 333 bases into the intron after coding-DNA position 756, C replaced by T.
Molecular consequence: intron variant.
Genome position (GRCh38, 1-based): chr14:77,570,051, G>A on the plus strand (C>T on the coding strand, the complement: SPTLC2 is on the minus strand). VCF-style: chr14-77570051-G-A. GRCh37 (hg19) VCF-style: chr14-78036394-G-A.
Identifiers: ClinVar variation 667523 (VCV000667523.1), dbSNP rs11622425, ClinGen allele CA13996069.